The following is an entry in ClinVar:

ClinVar aggregate classification (germline): Uncertain significance (1 of 4 stars; one submission).

Submission:

GeneDx
Classification: Uncertain significance. Last evaluated: 2023-11-03. Review status: criteria provided, single submitter. Criteria: GeneDx Variant Classification Process June 2021. Collection method: clinical testing. Allele origin: germline. Affected: yes.
Comment: Not observed at significant frequency in large population cohorts (gnomAD); In silico analysis supports that this missense variant has a deleterious effect on protein structure/function; Has not been previously published as pathogenic or benign to our knowledge

NM_017635.5(KMT5B):c.845T>C (p.Val282Ala)

Gene: KMT5B (lysine methyltransferase 5B; minus strand). Cytogenetic location: 11q13.2.
Variant type: single nucleotide variant.
Coding change: c.845T>C on transcript NM_017635.5 (MANE Select); coding-DNA position 845, T replaced by C.
Protein change: p.Val282Ala; replaces valine 282 with alanine.
Molecular consequence: missense variant. On other transcripts: non-coding transcript variant (3).
Genome position (GRCh38, 1-based): chr11:68,171,147, A>G on the plus strand (T>C on the coding strand, the complement: KMT5B is on the minus strand). VCF-style: chr11-68171147-A-G. GRCh37 (hg19) VCF-style: chr11-67938614-A-G.
Other names: c.329T>C, p.Val110Ala (NM_001300907.1, NM_001369424.1, NM_001369428.1 and 5 more transcripts); c.125T>C, p.Val42Ala (NM_001300908.2); c.776T>C, p.Val259Ala (NM_001300909.2); c.845T>C, p.Val282Ala (NM_001363566.2, NM_001369426.1, NM_001369427.1 and 1 more transcripts); c.632T>C, p.Val211Ala (NM_001369425.1); short protein forms V110A, V211A, V259A, V282A, V42A.
Identifiers: ClinVar variation 3363911 (VCV003363911.1).
Genomic context (GRCh38, chr11:68,171,147, plus strand): 5'-TCTTCTCCAGGTTCAATGTCTCTTAGAGCCTTCACACATGCTGTATCTCGACCAGTTGAC[A>G]CAAACTAAAATAAAAGTAACTCAGTAAGAAACTCACACCTGAAGCAAAAACAAAATACTT-3'
Protein context (NP_060105.3, residues 272-292): NHDCRPNCKF[Val282Ala]STGRDTACVK